The following is an entry in ClinVar:

ClinVar aggregate classification (germline): Likely benign (1 of 4 stars; one submission).

Submission:

CeGaT Center for Human Genetics Tuebingen
Classification: Likely benign. Last evaluated: 2026-06-01. Review status: criteria provided, single submitter. Criteria: CeGaT Center For Human Genetics Tuebingen Variant Classification Criteria Version 2. Collection method: clinical testing. Allele origin: germline. Affected: yes. Observed: 1 variant allele.
Comment: CIC: BP4, BP7

NM_001386298.1(CIC):c.4752G>A (p.Val1584=)

Gene: CIC (capicua transcriptional repressor; plus strand). Cytogenetic location: 19q13.2.
Variant type: single nucleotide variant.
Coding change: c.4752G>A on transcript NM_001386298.1 (MANE Select); coding-DNA position 4752, G replaced by A.
Protein change: p.Val1584=; no amino-acid change (valine 1584 retained).
Molecular consequence: synonymous variant.
Genome position (GRCh38, 1-based): chr19:42,290,793, G>A. VCF-style: chr19-42290793-G-A. GRCh37 (hg19) VCF-style: chr19-42794945-G-A.
Other names: c.4752G>A, p.Val1584= (NM_001304815.2, NM_001379480.1, NM_001379482.1 and 6 more transcripts); c.2025G>A, p.Val675= (NM_001379484.1, NM_001379485.1, NM_001439189.1 and 3 more transcripts).
Identifiers: ClinVar variation 4875133 (VCV004875133.2).